The following is an entry in ClinVar:

ClinVar aggregate classification (germline): Uncertain significance (1 of 4 stars; one submission).

Allele frequency attached by ClinVar (database versions not stated): gnomAD exomes 0.00001.
gnomAD v4.1: 9 of 1,613,180 alleles (0.00056%); highest among the groups gnomAD compares: Non-Finnish European, 0.00076%; no homozygotes.

Submission:

Labcorp Genetics (formerly Invitae), Labcorp
Classification: Uncertain significance. Last evaluated: 2022-07-17. Review status: criteria provided, single submitter. Criteria: Invitae Variant Classification Sherloc (09022015). Collection method: clinical testing. Allele origin: germline.
Comment: This sequence change replaces valine, which is neutral and non-polar, with isoleucine, which is neutral and non-polar, at codon 3254 of the ADGRV1 protein (p.Val3254Ile). This variant is not present in population databases (gnomAD no frequency). This variant has not been reported in the literature in individuals affected with ADGRV1-related conditions. Algorithms developed to predict the effect of missense changes on protein structure and function output the following: SIFT: "Tolerated"; PolyPhen-2: "Benign"; Align-GVGD: "Class C0". The isoleucine amino acid residue is found in multiple mammalian species, which suggests that this missense change does not adversely affect protein function. In summary, the available evidence is currently insufficient to determine the role of this variant in disease. Therefore, it has been classified as a Variant of Uncertain Significance.

NM_032119.4(ADGRV1):c.9760G>A (p.Val3254Ile)

Gene: ADGRV1 (adhesion G protein-coupled receptor V1; plus strand). Cytogenetic location: 5q14.3.
Variant type: single nucleotide variant.
Coding change: c.9760G>A on transcript NM_032119.4 (MANE Select); coding-DNA position 9760, G replaced by A.
Protein change: p.Val3254Ile; replaces valine 3254 with isoleucine.
Molecular consequence: missense variant. On other transcripts: non-coding transcript variant (1).
Genome position (GRCh38, 1-based): chr5:90,724,843, G>A. VCF-style: chr5-90724843-G-A. GRCh37 (hg19) VCF-style: chr5-90020660-G-A.
Other names: short protein forms V3254I.
Identifiers: ClinVar variation 1717551 (VCV001717551.3), dbSNP rs1561602551, ClinGen allele CA360402469.